The following is an entry in ClinVar:

NM_000052.7(ATP7A):c.4426del (p.Ser1476fs)

Gene: ATP7A (ATPase copper transporting alpha; plus strand). Cytogenetic location: Xq21.1.
Variant type: Deletion.
Coding change: c.4426del on transcript NM_000052.7 (MANE Select); coding-DNA position 4426, one base deleted (A; older notation c.4426delA).
Protein change: p.Ser1476fs; shifts the reading frame from serine 1476.
Molecular consequence: frameshift variant. On other transcripts: non-coding transcript variant (1).
Genome position (GRCh38, 1-based): chrX:78,046,493, A deleted. VCF-style (leftmost placement, unchanged base first): chrX-78046492-CA-C. GRCh37 (hg19) VCF-style: chrX-77301989-CA-C.
Other names: c.4192del, p.Ser1398fs (NM_001282224.2); short protein forms S1398fs, S1476fs.
Identifiers: ClinVar variation 3368206 (VCV003368206.1).

ClinVar aggregate classification (germline): Uncertain significance (1 of 4 stars; one submission).

Submission:

GeneDx
Classification: Uncertain significance. Last evaluated: 2024-02-02. Review status: criteria provided, single submitter. Criteria: GeneDx Variant Classification Process June 2021. Collection method: clinical testing. Allele origin: germline. Affected: yes.
Comment: Frameshift variant predicted to result in abnormal protein length as the last 25 amino acids are replaced with 34 different amino acids; Not observed at significant frequency in large population cohorts (gnomAD); Has not been previously published as pathogenic or benign to our knowledge